The following is an entry in ClinVar:

ClinVar aggregate classification (germline): Uncertain significance (1 of 4 stars; one submission).

Conditions:
Hereditary nonpolyposis colorectal neoplasms. Identifiers: MedGen C0009405, MeSH D003123.

Submission:

Labcorp Genetics (formerly Invitae), Labcorp
Classification: Uncertain significance for Hereditary nonpolyposis colorectal neoplasms. Last evaluated: 2019-06-28. Review status: criteria provided, single submitter. Criteria: Invitae Variant Classification Sherloc (09022015). Collection method: clinical testing. Allele origin: germline.
Comment: This sequence change replaces aspartic acid with glutamic acid at codon 180 of the MSH6 protein (p.Asp180Glu). The aspartic acid residue is moderately conserved and there is a small physicochemical difference between aspartic acid and glutamic acid. This variant is not present in population databases (ExAC no frequency). This variant has not been reported in the literature in individuals with MSH6-related conditions. Algorithms developed to predict the effect of missense changes on protein structure and function are either unavailable or do not agree on the potential impact of this missense change (SIFT: "Tolerated"; PolyPhen-2: "Probably Damaging"; Align-GVGD: "Class C0"). In summary, the available evidence is currently insufficient to determine the role of this variant in disease. Therefore, it has been classified as a Variant of Uncertain Significance.

NM_000179.3(MSH6):c.540T>A (p.Asp180Glu)

Gene: MSH6 (mutS homolog 6; plus strand). Cytogenetic location: 2p16.3.
Variant type: single nucleotide variant.
Coding change: c.540T>A on transcript NM_000179.3 (MANE Select); coding-DNA position 540, T replaced by A.
Protein change: p.Asp180Glu; replaces aspartic acid 180 with glutamic acid.
Molecular consequence: missense variant. On other transcripts: 5 prime UTR variant (1), intron variant (2).
Genome position (GRCh38, 1-based): chr2:47,795,976, T>A. VCF-style: chr2-47795976-T-A. GRCh37 (hg19) VCF-style: chr2-48023115-T-A.
Other names: c.-363T>A (NM_001281494.2); c.-279-2635T>A (NM_001281493.2); c.238-2635T>A (NM_001281492.2); short protein forms D180E.
Identifiers: ClinVar variation 938860 (VCV000938860.10), dbSNP rs1800935, ClinGen allele CA346738722.